The following is an entry in ClinVar:

NM_177438.3(DICER1):c.4930A>G (p.Ile1644Val)

Gene: DICER1 (dicer 1, ribonuclease III; minus strand). Cytogenetic location: 14q32.13.
Variant type: single nucleotide variant.
Coding change: c.4930A>G on transcript NM_177438.3 (MANE Select); coding-DNA position 4930, A replaced by G.
Protein change: p.Ile1644Val; replaces isoleucine 1644 with valine.
Molecular consequence: missense variant. On other transcripts: non-coding transcript variant (6).
Genome position (GRCh38, 1-based): chr14:95,095,990, T>C on the plus strand (A>G on the coding strand, the complement: DICER1 is on the minus strand). VCF-style: chr14-95095990-T-C. GRCh37 (hg19) VCF-style: chr14-95562327-T-C.
Other names: c.4930A>G, p.Ile1644Val (NM_001195573.1, NM_001271282.3, NM_001291628.2 and 13 more transcripts); c.4648A>G, p.Ile1550Val (NM_001395686.1); c.4525A>G, p.Ile1509Val (NM_001395687.1, NM_001395688.1, NM_001395689.1 and 2 more transcripts); c.4363A>G, p.Ile1455Val (NM_001395691.1); c.3247A>G, p.Ile1083Val (NM_001395697.1); short protein forms I1083V, I1455V, I1644V, I1509V, I1550V.
Identifiers: ClinVar variation 2962051 (VCV002962051.4), dbSNP rs1890280907, ClinGen allele CA390866290.
Genomic context (GRCh38, chr14:95,095,990, plus strand): 5'-ATATAAGGTGATTCAGTGTTTTATCTGCATCTGGATGATCAAACATACATCTTGGTGGAA[T>C]CTTCAAACAACCATATTCCGAGTCTTTCAATACAGAAGAGCGTGAACTGGCCACAGAAGC-3'
Protein context (NP_803187.1, residues 1634-1654): LKDSEYGCLK[Ile1644Val]PPRCMFDHPD

ClinVar aggregate classification (germline): Uncertain significance. Review status: criteria provided, multiple submitters, no conflicts (2 of 4 stars). 2 submissions from 2 submitters: Uncertain significance (2). Last evaluated 2024-10-02.

Conditions:
DICER1-related tumor predisposition. Also called: DICER1 syndrome; DICER1-related pleuropulmonary blastoma cancer predisposition syndrome. Identifiers: Orphanet 284343, MedGen C3839822, MONDO:0100216.
Hereditary cancer-predisposing syndrome. Also called: Tumor predisposition; Hereditary Cancer Syndrome; Neoplastic Syndromes, Hereditary; Hereditary neoplastic syndrome. Identifiers: Orphanet 140162, MedGen C0027672, MeSH D009386, MONDO:0015356.

Allele frequency attached by ClinVar (database versions not stated): gnomAD exomes below 0.00001.
gnomAD v4.1: 3 of 1,614,268 alleles (0.00019%); highest among the groups gnomAD compares: African/African-American, 0.0013%; no homozygotes.

Submissions (2):

Ambry Genetics
Classification: Uncertain significance for Hereditary cancer-predisposing syndrome. Last evaluated: 2024-10-02. Review status: criteria provided, single submitter. Criteria: Ambry Variant Classification Scheme 2023. Collection method: clinical testing. Allele origin: germline.
Comment: The p.I1644V variant (also known as c.4930A>G), located in coding exon 22 of the DICER1 gene, results from an A to G substitution at nucleotide position 4930. The isoleucine at codon 1644 is replaced by valine, an amino acid with highly similar properties. This amino acid position is conserved. In addition, the in silico prediction for this alteration is inconclusive. Based on the available evidence, the clinical significance of this variant remains unclear.

Labcorp Genetics (formerly Invitae), Labcorp
Classification: Uncertain significance for DICER1-related tumor predisposition. Last evaluated: 2024-02-01. Review status: criteria provided, single submitter. Criteria: Invitae Variant Classification Sherloc (09022015). Collection method: clinical testing. Allele origin: germline.
Comment: This sequence change replaces isoleucine, which is neutral and non-polar, with valine, which is neutral and non-polar, at codon 1644 of the DICER1 protein (p.Ile1644Val). This variant is not present in population databases (gnomAD no frequency). This variant has not been reported in the literature in individuals affected with DICER1-related conditions. An algorithm developed to predict the effect of missense changes on protein structure and function (PolyPhen-2) suggests that this variant is likely to be disruptive. In summary, the available evidence is currently insufficient to determine the role of this variant in disease. Therefore, it has been classified as a Variant of Uncertain Significance.